The following is an entry in ClinVar:

ClinVar aggregate classification (germline): Pathogenic/Likely pathogenic. Review status: criteria provided, multiple submitters, no conflicts (2 of 4 stars). 17 submissions from 17 submitters: Pathogenic (9); Likely pathogenic (4). 4 of the submissions do not count toward it. Last evaluated 2026-06-03.

Conditions:
EYS-related disorder. Also called: EYS-related condition.
Retinal dystrophy. Also called: Inherited retinal dystrophy. Identifiers: Orphanet 71862, MedGen C0854723, MeSH D058499, MONDO:0019118, HP:0000556.
Retinitis pigmentosa (RP). Identifiers: Orphanet 791, MedGen C0035334, MeSH D012174, MONDO:0019200, OMIM 268000. Inheritance: Autosomal dominant, autosomal recessive and X linked inheritance.
Retinitis pigmentosa 25 (RP25). Identifiers: Orphanet 791, MedGen C1864446, MONDO:0011272, OMIM 602772.

Allele frequency attached by ClinVar (database versions not stated): gnomAD exomes 0.00002; TOPMed 0.00002; gnomAD 0.00006.
gnomAD v4.1: 19 of 1,507,130 alleles (0.0013%); highest among the groups gnomAD compares: Middle Eastern, 0.017%; no homozygotes.

Submissions (17):

PreventionGenetics, part of Exact Sciences
Classification: Pathogenic for EYS-related condition. Last evaluated: 2026-06-03. Review status: criteria provided, single submitter. Criteria: ACMG Guidelines, 2015. Collection method: clinical testing. Allele origin: germline.
Comment: The EYS c.9405T>A variant is predicted to result in premature protein termination (p.Tyr3135*). This variant has been reported to be causative for autosomal recessive retinitis pigmentosa (reported as c.9468T>A, Collin et al. 2008. PubMed ID: 18976725; Ezquerra-Inchausti et al. 2018. PubMed ID: 30337596; Messchaert et al. 2018. PubMed ID: 29159838). This variant is reported in 0.0050% of alleles in individuals of Latino descent in gnomAD. Nonsense variants in EYS are expected to be pathogenic. This variant is interpreted as pathogenic.

Labcorp Genetics (formerly Invitae), Labcorp
Classification: Pathogenic. Last evaluated: 2026-01-04. Review status: criteria provided, single submitter. Criteria: Invitae Variant Classification Sherloc (09022015). Collection method: clinical testing. Allele origin: germline.
Comment: This sequence change creates a premature translational stop signal (p.Tyr3135*) in the EYS gene. While this is not anticipated to result in nonsense mediated decay, it is expected to disrupt the last 10 amino acid(s) of the EYS protein. This variant is present in population databases (rs137853190, gnomAD 0.005%). This premature translational stop signal has been observed in individual(s) with EYS-related conditions (PMID: 18976725, 29159838, 30337596, 31074760). In at least one individual the data is consistent with being in trans (on the opposite chromosome) from a pathogenic variant. It has also been observed to segregate with disease in related individuals. This variant is also known as c.9468T>A;p.Y3156X. ClinVar contains an entry for this variant (Variation ID: 538). Experimental studies and prediction algorithms are not available or were not evaluated, and the functional significance of this variant is currently unknown. For these reasons, this variant has been classified as Pathogenic.

3billion
Classification: Pathogenic for Retinitis pigmentosa 25. Last evaluated: 2025-11-04. Review status: criteria provided, single submitter. Criteria: ACMG Guidelines, 2015. Collection method: clinical testing. Allele origin: germline. Affected: yes.
Comment: The variant is observed at an extremely low frequency in the gnomAD v4.1.0 dataset (total allele frequency: 0.001%). Predicted Consequence/Location: Stop-gained (nonsense): predicted to result in a loss or disruption of normal protein function through protein truncation. Multiple pathogenic variants are reported in the predicted truncated region. The variant has been reported to be in trans with a pathogenic variant as either compound heterozygous or homozygous in at least 4 similarly affected unrelated individuals (PMID: 18976725, 29159838, 30337596, 310747600). The variant has been reported to co-segregate with the disease in at least one similarly affected relative/individual in the same family or similarly affected unrelated families (PMID: 18976725). The variant has been reported at least twice as pathogenic with clinical assertions and evidence for the classification (ClinVar ID: VCV000000538 /PMID: 18976725 /3billion dataset). Therefore, this variant is classified as Pathogenic according to the recommendation of ACMG/AMP guideline.

Natera, Inc.
Classification: Pathogenic for Retinitis pigmentosa type 25. Last evaluated: 2025-11-04. Review status: criteria provided, single submitter. Criteria: Natera Variant Classification Schema (03/2026). Collection method: clinical testing. Allele origin: germline.
Comment: The c.9405T>A variant in EYS is a nonsense variant predicted to introduce a stop codon at amino acid 3135. This variant may result in a truncated or dysfunctional protein product. This variant is rare in the general population with a frequency below the threshold expected for the associated phenotype(s). This variant has been observed in one or more individuals affected with the associated recessive disease, as either homozygous or compound heterozygous with a second variant (PMID: 31074760, 32531858, 30337596). Given the available evidence, this variant is classified as Pathogenic.

Baylor Genetics
Classification: Pathogenic for Retinitis pigmentosa 25. Last evaluated: 2024-03-09. Review status: criteria provided, single submitter. Criteria: ACMG Guidelines, 2015. Collection method: clinical testing. Allele origin: unknown.

Blueprint Genetics
Classification: Pathogenic for EYS-related disorders. Last evaluated: 2024-02-28. Review status: criteria provided, single submitter. Criteria: ACMG Guidelines, 2015. Collection method: clinical testing. Allele origin: germline. Affected: yes. Observed: 5 variant alleles.

Mendelics
Classification: Pathogenic for Retinitis pigmentosa 25. Last evaluated: 2022-05-04. Review status: criteria provided, single submitter. Criteria: Mendelics Assertion Criteria 2019. Collection method: clinical testing. Allele origin: germline.

Institute of Human Genetics, Univ. Regensburg, Univ. Regensburg
Classification: Likely pathogenic for Retinal dystrophy. Last evaluated: 2022-01-01. Review status: criteria provided, single submitter. Criteria: ACMG Guidelines, 2015. Collection method: clinical testing. Allele origin: germline. Affected: yes.

CeGaT Center for Human Genetics Tuebingen
Classification: Pathogenic. Last evaluated: 2021-06-01. Review status: criteria provided, single submitter. Criteria: CeGaT Center For Human Genetics Tuebingen Variant Classification Criteria Version 2. Collection method: clinical testing. Allele origin: germline. Affected: yes. Observed: 1 variant allele.

Broad Center for Mendelian Genomics, Broad Institute of MIT and Harvard
Classification: Pathogenic for Retinitis pigmentosa. Last evaluated: 2021-04-01. Review status: criteria provided, single submitter. Criteria: ACMG Guidelines, 2015. Collection method: curation. Allele origin: germline. Inheritance: Autosomal recessive inheritance. Affected: yes.
Comment: Through a review of available evidence we were able to apply the following criteria: PVS1, PM2, PM3-P. Based on this evidence we have classified this variant as Pathogenic. If you have any questions about the classification please reach out to the Pierce Lab.

Revvity Omics, Revvity
Classification: Likely pathogenic for Retinitis pigmentosa 25. Last evaluated: 2019-12-11. Review status: criteria provided, single submitter. Criteria: ACMG Guidelines, 2015. Collection method: clinical testing. Allele origin: germline.

Fulgent Genetics
Classification: Likely pathogenic for Retinitis pigmentosa 25. Last evaluated: 2018-10-31. Review status: criteria provided, single submitter. Criteria: ACMG Guidelines, 2015. Collection method: clinical testing. Allele origin: unknown.

GeneDx
Classification: Likely pathogenic. Last evaluated: 2015-10-21. Review status: criteria provided, single submitter. Criteria: GeneDx Variant Classification (06012015). Collection method: clinical testing. Allele origin: germline. Affected: yes.
Comment: The Y3156X likely pathogenic variant in the EYS gene has been reported previously in the homozygous state in two unrelated families with autosomal recessive retinitis pigmentosa (Collin et al., 2008). This variant is predicted to cause loss of normal protein function through protein truncation. Furthermore, the Y3156X variant was not observed in approximately 2,200 individuals of European and African American ancestry in the NHLBI Exome Sequencing Project, indicating it is not a common benign variant in these populations. Therefore, we interpret Y3156X as a likely pathogenic variant

Counsyl
Classification: Likely pathogenic for Retinitis pigmentosa 25. Last evaluated: 2017-12-19. Review status: no assertion criteria provided. Collection method: clinical testing. Allele origin: unknown. Not counted in ClinVar's aggregate classification.

OMIM
Classification: Pathogenic for RETINITIS PIGMENTOSA 25. Last evaluated: 2008-11-01. Review status: no assertion criteria provided. Collection method: literature only. Allele origin: germline. Not counted in ClinVar's aggregate classification.

Clinical Genetics DNA and cytogenetics Diagnostics Lab, Erasmus MC, Erasmus Medical Center
Classification: Pathogenic. Review status: no assertion criteria provided. Collection method: clinical testing. Allele origin: germline. Affected: yes. Study: VKGL Data-share Consensus. Not counted in ClinVar's aggregate classification.

Joint Genome Diagnostic Labs from Nijmegen and Maastricht, Radboudumc and MUMC+
Classification: Pathogenic. Review status: no assertion criteria provided. Collection method: clinical testing. Allele origin: germline. Affected: yes. Study: VKGL Data-share Consensus. Not counted in ClinVar's aggregate classification.

Literature cited by the submitters: PubMed 18976725 (cited by 6 submitters); PubMed 29159838 (cited by 3 submitters); PubMed 30337596 (cited by 4 submitters); PubMed 31074760 (cited by 3 submitters); PubMed 32531858 (cited by Natera, Inc. and Institute of Human Genetics, Univ. Regensburg, Univ. Regensburg); PubMed 31589614 (cited by Institute of Human Genetics, Univ. Regensburg, Univ. Regensburg); PubMed 31964843 (cited by Institute of Human Genetics, Univ. Regensburg, Univ. Regensburg); PubMed 34795310 (cited by Institute of Human Genetics, Univ. Regensburg, Univ. Regensburg); PubMed 34327195 (cited by Institute of Human Genetics, Univ. Regensburg, Univ. Regensburg); PubMed 36460718 (cited by Institute of Human Genetics, Univ. Regensburg, Univ. Regensburg); PubMed 34906470 (cited by Broad Center for Mendelian Genomics, Broad Institute of MIT and Harvard); PubMed 21069908 (cited by Broad Center for Mendelian Genomics, Broad Institute of MIT and Harvard and Counsyl).

NM_001142800.2(EYS):c.9405T>A (p.Tyr3135Ter)

Genes: EYS (EGF-like photoreceptor maintenance factor; minus strand), PHF3 (PHD finger protein 3; plus strand). Cytogenetic location: 6q12.
Variant type: single nucleotide variant.
Coding change: c.9405T>A on transcript NM_001142800.2 (MANE Select); coding-DNA position 9405, T replaced by A.
Protein change: p.Tyr3135Ter; replaces tyrosine 3135 with a stop codon.
Molecular consequence: nonsense. On other transcripts: 3 prime UTR variant (5).
Genome position (GRCh38, 1-based): chr6:63,720,626, A>T on the plus strand (T>A on the coding strand, the complement: EYS is on the minus strand). VCF-style: chr6-63720626-A-T. GRCh37 (hg19) VCF-style: chr6-64430522-A-T.
Other names: c.*6918A>T (NM_001290259.2, NM_001370348.2, NM_001370349.2 and 2 more transcripts); c.9468T>A, p.Tyr3156Ter (NM_001292009.2); short protein forms Y3156*, Y3135*.
Identifiers: ClinVar variation 538 (VCV000000538.61), dbSNP rs137853190, ClinGen allele CA251493.
Genomic context (GRCh38, chr6:63,720,626, plus strand): 5'-ATAGTGTGTACTAAAATCTCTAGTGTTAACTTATGTAACCTCATTTTGTTCATCTCCATC[A>T]TAAACATTGTATCCTTCTAATTTAATTAGTTCAATGTTTTTTGGTTCCTGAAAAAATACA-3'